The following is an entry in ClinVar:

NM_206933.4(USH2A):c.7357del (p.Val2453fs)

Gene: USH2A (usherin; minus strand). Cytogenetic location: 1q41.
Variant type: Deletion.
Coding change: c.7357del on transcript NM_206933.4 (MANE Select); coding-DNA position 7357, one base deleted (G; older notation c.7357delG).
Protein change: p.Val2453fs; shifts the reading frame from valine 2453.
Molecular consequence: frameshift variant.
Genome position (GRCh38, 1-based): chr1:215,900,849, C deleted on the plus strand (G on the coding strand, the reverse complement: USH2A is on the minus strand); the first of 2 consecutive C bases (chr1:215,900,849-215,900,850); deleting either gives the same sequence. VCF-style (leftmost placement, unchanged base first): chr1-215900848-AC-A. GRCh37 (hg19) VCF-style: chr1-216074190-AC-A.
Other names: short protein forms V2453fs.
Identifiers: ClinVar variation 4817150 (VCV004817150.1).

ClinVar aggregate classification (germline): Likely pathogenic (1 of 4 stars; one submission).

Conditions:
Usher syndrome type 2A. Also called: RETINAL DISEASE IN USHER SYNDROME TYPE IIA, MODIFIER OF; USHER SYNDROME, TYPE IIA. Identifiers: Orphanet 231178, Orphanet 886, MedGen C1848634, MONDO:0010169, OMIM 276901.

Submission:

Natera, Inc.
Classification: Likely pathogenic for Usher syndrome type 2A. Last evaluated: 2025-08-19. Review status: criteria provided, single submitter. Criteria: Natera Variant Classification Schema (03/2026). Collection method: clinical testing. Allele origin: germline.
Comment: The c.7357del variant in USH2A is a frameshift variant predicted to shift the reading frame beginning at codon 2453 and leads to a stop codon 21 codons downstream. This variant is expected to result in nonsense mediated decay, truncation, or a dysfunctional protein product. This variant is rare in the general population with a frequency below the threshold expected for the associated phenotype(s). Given the available evidence, this variant is classified as Likely Pathogenic.